The following is an entry in ClinVar:

NM_001378964.1(CDON):c.2741A>C (p.Glu914Ala)

Gene: CDON (cell adhesion associated, oncogene regulated; minus strand). Cytogenetic location: 11q24.2.
Variant type: single nucleotide variant.
Coding change: c.2741A>C on transcript NM_001378964.1 (MANE Select); coding-DNA position 2741, A replaced by C.
Protein change: p.Glu914Ala; replaces glutamic acid 914 with alanine.
Molecular consequence: missense variant.
Genome position (GRCh38, 1-based): chr11:125,989,669, T>G on the plus strand (A>C on the coding strand, the complement: CDON is on the minus strand). VCF-style: chr11-125989669-T-G. GRCh37 (hg19) VCF-style: chr11-125859564-T-G.
Other names: c.2741A>C, p.Glu914Ala (NM_001243597.3, NM_001441161.1, NM_001441162.1 and 5 more transcripts); short protein forms E914A.
Identifiers: ClinVar variation 4529542 (VCV004529542.1).
Genomic context (GRCh38, chr11:125,989,669, plus strand): 5'-GTCCAGGGAAAAGCAAAAATTCTCCTACCTTTAGTCTCGCAGATCATCACATTGCTAAAT[T>G]CACTTTCTCCTCCTTCATTGAAGCATTGCATTTTAATGTCATAGGAGGTTTCTGGCTGCA-3'
Protein context (NP_001365893.1, residues 904-924): MQCFNEGGES[Glu914Ala]FSNVMICETK

ClinVar aggregate classification (germline): Uncertain significance (1 of 4 stars; one submission).

Submission:

GeneDx
Classification: Uncertain significance. Last evaluated: 2025-05-15. Review status: criteria provided, single submitter. Criteria: GeneDx Variant Classification Process June 2021. Collection method: clinical testing. Allele origin: germline. Affected: yes.
Comment: Not observed at significant frequency in large population cohorts (gnomAD); In silico analysis supports that this missense variant has a deleterious effect on protein structure/function; Has not been previously published as pathogenic or benign to our knowledge